The following is an entry in ClinVar:

ClinVar aggregate classification (germline): Benign/Likely benign. Review status: criteria provided, multiple submitters, no conflicts (2 of 4 stars). 3 submissions from 3 submitters: Benign (1); Likely benign (2). Last evaluated 2026-07-01.

Conditions:
Hyper-IgE recurrent infection syndrome 1, autosomal dominant. Also called: Hyper-IgE recurrent infection syndrome 1; HYPER-IgE SYNDROME 1, AUTOSOMAL DOMINANT, WITH RECURRENT INFECTIONS; STAT3 Hyper IgE Syndrome; JOB SYNDROME; Job's Syndrome. Identifiers: Orphanet 2314, MedGen C2936739, MONDO:0007818, OMIM 147060.
STAT3 gain of function. Identifiers: MedGen C4288261.

Allele frequency attached by ClinVar (database versions not stated): gnomAD exomes 0.00004 and 0.00021; ExAC 0.00012; 1000 Genomes Project 30x 0.00016; 1000 Genomes Project 0.00020; gnomAD 0.00020 and 0.00021; TOPMed 0.00034.
gnomAD v4.1: 84 of 1,614,124 alleles (0.0052%); highest among the groups gnomAD compares: Admixed American, 0.08%; no homozygotes.

Submissions (3):

CeGaT Center for Human Genetics Tuebingen
Classification: Likely benign. Last evaluated: 2026-07-01. Review status: criteria provided, single submitter. Criteria: CeGaT Center For Human Genetics Tuebingen Variant Classification Criteria Version 2. Collection method: clinical testing. Allele origin: germline. Affected: yes. Observed: 1 variant allele.
Comment: STAT3: BP4, BP7

Labcorp Genetics (formerly Invitae), Labcorp
Classification: Benign for STAT3 gain of function; Hyper-IgE recurrent infection syndrome 1, autosomal dominant. Last evaluated: 2025-09-28. Review status: criteria provided, single submitter. Criteria: Invitae Variant Classification Sherloc (09022015). Collection method: clinical testing. Allele origin: germline.

Blueprint Genetics
Classification: Likely benign. Last evaluated: 2020-07-30. Review status: criteria provided, single submitter. Criteria: ACMG Guidelines, 2015. Collection method: clinical testing. Allele origin: germline.

NM_139276.3(STAT3):c.1011C>T (p.Leu337=)

Gene: STAT3 (signal transducer and activator of transcription 3; minus strand). Cytogenetic location: 17q21.2.
Variant type: single nucleotide variant.
Coding change: c.1011C>T on transcript NM_139276.3 (MANE Select); coding-DNA position 1011, C replaced by T.
Protein change: p.Leu337=; no amino-acid change (leucine 337 retained).
Molecular consequence: synonymous variant.
Genome position (GRCh38, 1-based): chr17:42,333,711, G>A on the plus strand (C>T on the coding strand, the complement: STAT3 is on the minus strand). VCF-style: chr17-42333711-G-A. GRCh37 (hg19) VCF-style: chr17-40485729-G-A.
Other names: c.1011C>T, p.Leu337= (NM_001369512.1, NM_001369513.1, NM_001369514.1 and 15 more transcripts); c.933C>T, p.Leu311= (NM_001384985.1); c.915C>T, p.Leu305= (NM_001384989.1).
Identifiers: ClinVar variation 719142 (VCV000719142.11), dbSNP rs200623682, ClinGen allele CA8575497.